The following is an entry in ClinVar:

ClinVar aggregate classification (germline): Uncertain significance (1 of 4 stars; one submission).

Allele frequency attached by ClinVar (database versions not stated): gnomAD 0.00001; TOPMed 0.00002; ESP Exome Variant Server 0.00008.
gnomAD v4.1: 20 of 1,608,640 alleles (0.0012%); highest among the groups gnomAD compares: Non-Finnish European, 0.0017%; no homozygotes.

Submission:

Labcorp Genetics (formerly Invitae), Labcorp
Classification: Uncertain significance. Last evaluated: 2026-01-05. Review status: criteria provided, single submitter. Criteria: Invitae Variant Classification Sherloc (09022015). Collection method: clinical testing. Allele origin: germline.
Comment: This sequence change replaces lysine, which is basic and polar, with asparagine, which is neutral and polar, at codon 1602 of the PCLO protein (p.Lys1602Asn). This variant is present in population databases (rs369199414, gnomAD 0.002%). This variant has not been reported in the literature in individuals affected with PCLO-related conditions. ClinVar contains an entry for this variant (Variation ID: 2050462). Experimental studies and prediction algorithms are not available or were not evaluated, and the functional significance of this variant is currently unknown. In summary, the available evidence is currently insufficient to determine the role of this variant in disease. Therefore, it has been classified as a Variant of Uncertain Significance.

NM_033026.6(PCLO):c.4806A>C (p.Lys1602Asn)

Gene: PCLO (piccolo presynaptic cytomatrix protein; minus strand). Cytogenetic location: 7q21.11.
Variant type: single nucleotide variant.
Coding change: c.4806A>C on transcript NM_033026.6 (MANE Select); coding-DNA position 4806, A replaced by C.
Protein change: p.Lys1602Asn; replaces lysine 1602 with asparagine.
Molecular consequence: missense variant.
Genome position (GRCh38, 1-based): chr7:82,956,147, T>G on the plus strand (A>C on the coding strand, the complement: PCLO is on the minus strand). VCF-style: chr7-82956147-T-G. GRCh37 (hg19) VCF-style: chr7-82585463-T-G.
Other names: c.4806A>C, p.Lys1602Asn (NM_014510.3); short protein forms K1602N.
Identifiers: ClinVar variation 2050462 (VCV002050462.2), dbSNP rs369199414, ClinGen allele CA161150793.